The following is an entry in ClinVar:

ClinVar aggregate classification (germline): Uncertain significance (1 of 4 stars; one submission).

Conditions:
Familial focal epilepsy with variable foci (FPEVF). Identifiers: Orphanet 98820, MedGen C1858477, MONDO:0020310.

Submission:

Labcorp Genetics (formerly Invitae), Labcorp
Classification: Uncertain significance for Familial focal epilepsy with variable foci. Last evaluated: 2024-11-04. Review status: criteria provided, single submitter. Criteria: Invitae Variant Classification Sherloc (09022015). Collection method: clinical testing. Allele origin: germline.
Comment: This sequence change falls in intron 33 of the DEPDC5 gene. It does not directly change the encoded amino acid sequence of the DEPDC5 protein. This variant is not present in population databases (gnomAD no frequency). This variant has not been reported in the literature in individuals affected with DEPDC5-related conditions. Algorithms developed to predict the effect of sequence changes on RNA splicing suggest that this variant may disrupt the consensus splice site. In summary, the available evidence is currently insufficient to determine the role of this variant in disease. Therefore, it has been classified as a Variant of Uncertain Significance.

NM_001242896.3(DEPDC5):c.3331-22_3331-13del

Gene: DEPDC5 (DEP domain containing 5, GATOR1 subcomplex subunit; plus strand). Cytogenetic location: 22q12.3.
Variant type: Deletion.
Coding change: c.3331-22_3331-13del on transcript NM_001242896.3 (MANE Select); 22 bases into the intron before coding-DNA position 3331 through 13 bases into the intron before coding-DNA position 3331, 10 bases deleted (TTCATTTTTA; older notation c.3331-22_3331-13delTTCATTTTTA).
Molecular consequence: intron variant.
Genome position (GRCh38, 1-based): chr22:31,870,568-31,870,577, TTCATTTTTA deleted; deleting any 10 consecutive bases within chr22:31,870,566-31,870,577 gives the same sequence; the c. name uses the placement nearest the transcript's 3' end. VCF-style (leftmost placement, unchanged base first): chr22-31870565-GTATTCATTTT-G. GRCh37 (hg19) VCF-style: chr22-32266551-GTATTCATTTT-G.
Other names: c.3331-22_3331-13del (NM_001364318.2); c.3304-22_3304-13del (NM_001136029.4); c.3238-22_3238-13del (NM_014662.6, NM_001369903.1); c.3265-22_3265-13del (NM_001363852.2, NM_001364320.2); c.3097-22_3097-13del (NM_001363854.2, NM_001364319.2); c.3031-22_3031-13del (NM_001242897.2); c.3247-22_3247-13del (NM_001369902.1, NM_001369901.1).
Identifiers: ClinVar variation 3659402 (VCV003659402.2).